The following is an entry in ClinVar:

ClinVar aggregate classification (germline): Uncertain significance. Review status: criteria provided, multiple submitters, no conflicts (2 of 4 stars). 2 submissions from 2 submitters: Uncertain significance (2). Last evaluated 2026-06-09.

Conditions:
Hereditary cancer-predisposing syndrome. Also called: Tumor predisposition; Neoplastic Syndromes, Hereditary; Hereditary Cancer Syndrome; Hereditary neoplastic syndrome. Identifiers: Orphanet 140162, MedGen C0027672, MeSH D009386, MONDO:0015356.
Ataxia-telangiectasia syndrome (AT). Also called: Ataxia-telangiectasia, complementation group D; ATAXIA-TELANGIECTASIA, COMPLEMENTATION GROUP A; ATAXIA-TELANGIECTASIA, FRESNO VARIANT; Ataxia-telangiectasia; AT, COMPLEMENTATION GROUP C; LOUIS-BAR SYNDROME. Identifiers: Orphanet 100, MedGen C0004135, MONDO:0008840, OMIM 208900.

gnomAD v4.1: 1 of 1,607,928 alleles (0.000062%); no homozygotes.

Submissions (2):

Ambry Genetics
Classification: Uncertain significance for Hereditary cancer-predisposing syndrome. Last evaluated: 2026-06-09. Review status: criteria provided, single submitter. Criteria: Ambry Variant Classification Scheme 2023. Collection method: clinical testing. Allele origin: germline.
Comment: The p.G301V variant (also known as c.902G>T) is located in coding exon 7 of the ATM gene. The glycine at codon 301 is replaced by valine, an amino acid with dissimilar properties. This change occurs in the first base pair of coding exon 7. This amino acid position is not well conserved in available vertebrate species. In addition, this alteration is predicted to be deleterious by in silico analysis. Based on the available evidence, the clinical significance of this variant remains unclear.

Labcorp Genetics (formerly Invitae), Labcorp
Classification: Uncertain significance for Ataxia-telangiectasia syndrome. Last evaluated: 2024-01-08. Review status: criteria provided, single submitter. Criteria: Invitae Variant Classification Sherloc (09022015). Collection method: clinical testing. Allele origin: germline.
Comment: This sequence change replaces glycine, which is neutral and non-polar, with valine, which is neutral and non-polar, at codon 301 of the ATM protein (p.Gly301Val). This variant is not present in population databases (gnomAD no frequency). This variant has not been reported in the literature in individuals affected with ATM-related conditions. ClinVar contains an entry for this variant (Variation ID: 1429722). An algorithm developed to predict the effect of missense changes on protein structure and function (PolyPhen-2) suggests that this variant is likely to be tolerated. Algorithms developed to predict the effect of sequence changes on RNA splicing suggest that this variant may disrupt the consensus splice site. In summary, the available evidence is currently insufficient to determine the role of this variant in disease. Therefore, it has been classified as a Variant of Uncertain Significance.

NM_000051.4(ATM):c.902G>T (p.Gly301Val)

Gene: ATM (ATM serine/threonine kinase; plus strand). Cytogenetic location: 11q22.3.
Variant type: single nucleotide variant.
Coding change: c.902G>T on transcript NM_000051.4 (MANE Select); coding-DNA position 902, G replaced by T.
Protein change: p.Gly301Val; replaces glycine 301 with valine.
Molecular consequence: missense variant.
Genome position (GRCh38, 1-based): chr11:108,246,964, G>T. VCF-style: chr11-108246964-G-T. GRCh37 (hg19) VCF-style: chr11-108117691-G-T.
Other names: c.902G>T, p.Gly301Val (NM_001351834.2); c.902G>T (NM_000051.3); short protein forms G301V.
Identifiers: ClinVar variation 1429722 (VCV001429722.9), dbSNP rs202208861, ClinGen allele CA6264709.